The following is an entry in ClinVar:

ClinVar aggregate classification (germline): Uncertain significance. Review status: criteria provided, multiple submitters, no conflicts (2 of 4 stars). 2 submissions from 2 submitters: Uncertain significance (2). Last evaluated 2024-11-14.

Allele frequency attached by ClinVar (database versions not stated): ExAC 0.00001; gnomAD 0.00001; gnomAD exomes 0.00001 and 0.00004; TOPMed 0.00002.

Submissions (2):

Blueprint Genetics
Classification: Uncertain significance. Last evaluated: 2024-11-14. Review status: criteria provided, single submitter. Criteria: ACMG Guidelines, 2015. Collection method: clinical testing. Allele origin: germline.

Labcorp Genetics (formerly Invitae), Labcorp
Classification: Uncertain significance. Last evaluated: 2020-12-04. Review status: criteria provided, single submitter. Criteria: Invitae Variant Classification Sherloc (09022015). Collection method: clinical testing. Allele origin: germline.
Comment: In summary, the available evidence is currently insufficient to determine the role of this variant in disease. Therefore, it has been classified as a Variant of Uncertain Significance. Algorithms developed to predict the effect of missense changes on protein structure and function (SIFT, PolyPhen-2, Align-GVGD) all suggest that this variant is likely to be disruptive, but these predictions have not been confirmed by published functional studies and their clinical significance is uncertain. This variant has not been reported in the literature in individuals with RBP3-related conditions. This variant is present in population databases (rs782583157, ExAC 0.006%). This sequence change replaces arginine with cysteine at codon 86 of the RBP3 protein (p.Arg86Cys). The arginine residue is highly conserved and there is a large physicochemical difference between arginine and cysteine.

NM_002900.3(RBP3):c.256C>T (p.Arg86Cys)

Gene: RBP3 (retinol binding protein 3; plus strand). Cytogenetic location: 10q11.22.
Variant type: single nucleotide variant.
Coding change: c.256C>T on transcript NM_002900.3 (MANE Select); coding-DNA position 256, C replaced by T.
Protein change: p.Arg86Cys; replaces arginine 86 with cysteine.
Molecular consequence: missense variant.
Genome position (GRCh38, 1-based): chr10:47,348,740, C>T. VCF-style: chr10-47348740-C-T. GRCh37 (hg19) VCF-style: chr10-48390622-G-A.
Other names: short protein forms R86C.
Identifiers: ClinVar variation 1491082 (VCV001491082.7), dbSNP rs782583157, ClinGen allele CA5487832.